The following is an entry in ClinVar:

NM_006329.4(FBLN5):c.503-35_509dup

Gene: FBLN5 (fibulin 5; minus strand). Cytogenetic location: 14q32.12.
Variant type: Duplication.
Coding change: c.503-35_509dup on transcript NM_006329.4 (MANE Select); 35 bases into the intron before coding-DNA position 503 through coding-DNA position 509, 42 bases duplicated.
Molecular consequence: splice acceptor variant.
Genome position (GRCh38, 1-based): chr14:91,891,331-91,891,372, 42 bases duplicated; duplicating any 42 consecutive bases within chr14:91,891,331-91,891,374 gives the same sequence; the c. name uses the placement nearest the transcript's 3' end. GRCh37 (hg19): chr14:92,357,677-92,357,718.
Other names: c.503-35_509dup (NM_001384160.1); c.626-35_632dup (NM_001384158.1); c.335-35_341dup (NM_001384162.1, NM_001384161.1); c.554-35_560dup (NM_001384159.1).
Identifiers: ClinVar variation 1522597 (VCV001522597.6), dbSNP rs2139976011, ClinGen allele CA2573150278.
Genomic context (GRCh38, chr14:91,891,330, plus strand): 5'-ACAAGAATAGGATCCAGGAACATTCGCACAGAGCTGCTGGCAGTAACCATAGCGACATTC[A>ATCAATGTCTGGAAACAGAAATGCAAGCAAAGTGAGACAGGTC]TCAATGTCTGGAAACAGAAATGCAAGCAAAGTGAGACAGGTCTCCTCACTCAATGATGCC-3'

ClinVar aggregate classification (germline): Uncertain significance (1 of 4 stars; one submission).

Submission:

Labcorp Genetics (formerly Invitae), Labcorp
Classification: Uncertain significance. Last evaluated: 2025-07-08. Review status: criteria provided, single submitter. Criteria: Invitae Variant Classification Sherloc (09022015). Collection method: clinical testing. Allele origin: germline.
Comment: This sequence change falls in intron 5 of the FBLN5 gene. It does not directly change the encoded amino acid sequence of the FBLN5 protein. This variant is not present in population databases (gnomAD no frequency). This variant has not been reported in the literature in individuals affected with FBLN5-related conditions. ClinVar contains an entry for this variant (Variation ID: 1522597). Experimental studies and prediction algorithms are not available or were not evaluated, and the functional significance of this variant is currently unknown. In summary, the available evidence is currently insufficient to determine the role of this variant in disease. Therefore, it has been classified as a Variant of Uncertain Significance.